The following is an entry in ClinVar:

NM_001754.5(RUNX1):c.530_532dup (p.Ile177dup)

Genes: RUNX1-AS1 (RUNX1 antisense RNA 1; plus strand), RUNX1 (RUNX family transcription factor 1; minus strand). Cytogenetic location: 21q22.12.
Variant type: Duplication.
Coding change: c.530_532dup on transcript NM_001754.5 (MANE Select); coding-DNA positions 530 to 532, 3 bases duplicated (TCA; older notation c.530_532dupTCA).
Protein change: p.Ile177dup; duplicates isoleucine 177.
Molecular consequence: inframe insertion.
Genome position (GRCh38, 1-based): chr21:34,859,555-34,859,557, TGA duplicated on the plus strand (TCA on the coding strand, the reverse complement: RUNX1 is on the minus strand); duplicating any 3 consecutive bases within chr21:34,859,555-34,859,559 gives the same sequence; the c. name uses the placement nearest the transcript's 3' end. VCF-style (leftmost placement, unchanged base first): chr21-34859554-G-GTGA. GRCh37 (hg19) VCF-style: chr21-36231851-G-GTGA.
Other names: NM_001754.5(RUNX1):c.530_532dup; p.Ile177dup; c.530_532dupTCA (NM_001754.4); c.449_451dup, p.Ile150dup (NM_001001890.3, NM_001122607.2).
Identifiers: ClinVar variation 409812 (VCV000409812.8), dbSNP rs1555894743, ClinGen allele CA16616526.

ClinVar aggregate classification (germline): Uncertain significance. Review status: reviewed by expert panel (3 of 4 stars). 2 submissions from 2 submitters: Uncertain significance (1). 1 of the submissions does not count toward it. Last evaluated 2024-09-25.

Conditions:
Hereditary thrombocytopenia and hematological cancer predisposition syndrome associated with RUNX1. Also called: Familial Platelet Disorder with Propensity to Acute Myelogenous Leukemia; Familial thrombocytopenia with propensity to acute myelogenous leukemia; PLATELET DISORDER, ASPIRIN-LIKE; RUNX1 Familial Platelet Disorder with Associated Myeloid Malignancies. Identifiers: Orphanet 71290, MedGen C1832388, MeSH C563324, MONDO:0100083, OMIM 601399.

Submissions (2):

ClinGen Myeloid Malignancy Variant Curation Expert Panel
Classification: Uncertain significance for Hereditary thrombocytopenia and hematological cancer predisposition syndrome associated with RUNX1. Last evaluated: 2024-09-25. Review status: reviewed by expert panel. Criteria: ClinGen MyeloMalig ACMG Specifications v2. Collection method: curation. Allele origin: germline. Inheritance: Autosomal dominant inheritance.
Comment: NM_001754.5(RUNX1):c.530_532dup (p.Ile177_Thr178insIle) is an in-frame insertion which affects a residue within the Runt Homology domain (AA 89-294) but does not impact a residue which has been established as a hotspot (PM4_Supporting). This variant is completely absent from all population databases with at least 20x coverage for RUNX1 (PM2_supporting). In summary, the clinical significance of this variant is uncertain. ACMG/AMP criteria applied, as specified by the Myeloid Malignancy Variant Curation Expert Panel for RUNX1: PM2_supporting, PM4_supporting.

Labcorp Genetics (formerly Invitae), Labcorp
Classification: Uncertain significance for Hereditary thrombocytopenia and hematological cancer predisposition syndrome associated with RUNX1. Last evaluated: 2016-05-03. Review status: criteria provided, single submitter. Criteria: Invitae Variant Classification Sherloc (09022015). Collection method: clinical testing. Allele origin: germline. Not counted in ClinVar's aggregate classification.
Comment: This sequence change duplicates 3 nucleotides in exon 6 of the RUNX1 mRNA (c.530_532dupTCA). This leads to the duplication of 1 amino acid residue in the RUNX1 protein (p.Ile177dup) but otherwise preserves the integrity of the reading frame. This variant is not present in population databases (ExAC no frequency) and has not been reported in the literature in individuals with a RUNX1-related disease. In summary, this variant is a novel sequence change with uncertain impact on protein function. It has been classified as a Variant of Uncertain Significance.